The following is an entry in ClinVar:

NM_014363.6(SACS):c.1219C>A (p.Leu407Ile)

Gene: SACS (sacsin molecular chaperone; minus strand). Cytogenetic location: 13q12.12.
Variant type: single nucleotide variant.
Coding change: c.1219C>A on transcript NM_014363.6 (MANE Select); coding-DNA position 1219, C replaced by A.
Protein change: p.Leu407Ile; replaces leucine 407 with isoleucine.
Molecular consequence: missense variant.
Genome position (GRCh38, 1-based): chr13:23,355,393, G>T on the plus strand (C>A on the coding strand, the complement: SACS is on the minus strand). VCF-style: chr13-23355393-G-T. GRCh37 (hg19) VCF-style: chr13-23929532-G-T.
Other names: c.778C>A, p.Leu260Ile (NM_001278055.2); short protein forms L407I, L260I.
Identifiers: ClinVar variation 311565 (VCV000311565.14), dbSNP rs201569239, ClinGen allele CA6911950.

ClinVar aggregate classification (germline): Conflicting classifications of pathogenicity. Review status: criteria provided, conflicting classifications (1 of 4 stars). 4 submissions from 4 submitters: Uncertain significance (3); Likely benign (1). Last evaluated 2025-07-18.

Conditions:
Spastic paraplegia. Identifiers: MedGen C0037772, HP:0001258.
Hereditary spastic paraplegia. Also called: Familial spastic paraparesis. Identifiers: Orphanet 685, MedGen C0037773, MONDO:0019064. Disease mechanism: loss of function.
Charlevoix-Saguenay spastic ataxia (SACS). Also called: SPASTIC ATAXIA 6, AUTOSOMAL RECESSIVE; AUTOSOMAL RECESSIVE SPASTIC ATAXIA OF CHARLEVOIX-SAGUENAY; Spastic ataxia of Charlevoix-Saguenay. Identifiers: Orphanet 98, MedGen C1849140, MONDO:0010041, OMIM 270550.

Allele frequency attached by ClinVar (database versions not stated): gnomAD exomes 0.00008 and 0.00010; gnomAD 0.00013; TOPMed 0.00015.
gnomAD v4.1: 175 of 1,614,010 alleles (0.011%); highest among the groups gnomAD compares: Non-Finnish European, 0.014%; no homozygotes.

Submissions (4):

Labcorp Genetics (formerly Invitae), Labcorp
Classification: Likely benign for Spastic paraplegia. Last evaluated: 2025-07-18. Review status: criteria provided, single submitter. Criteria: Invitae Variant Classification Sherloc (09022015). Collection method: clinical testing. Allele origin: germline.

Athena Diagnostics
Classification: Uncertain significance. Last evaluated: 2024-04-24. Review status: criteria provided, single submitter. Criteria: Athena Diagnostics Criteria. Collection method: clinical testing. Allele origin: unknown.
Comment: Available data are insufficient to determine the clinical significance of the variant at this time. The frequency of this variant in the general population is uninformative in assessment of its pathogenicity. Polyphen and MutationTaster predict this amino acid change may be benign.

Genome Diagnostics Laboratory, The Hospital for Sick Children
Classification: Uncertain significance for Hereditary spastic paraplegia. Last evaluated: 2018-09-01. Review status: criteria provided, single submitter. Criteria: ACMG Guidelines, 2015. Collection method: clinical testing. Allele origin: germline. Affected: yes.

Illumina Laboratory Services, Illumina
Classification: Uncertain significance for Charlevoix-Saguenay spastic ataxia. Last evaluated: 2018-01-13. Review status: criteria provided, single submitter. Criteria: ICSL Variant Classification Criteria 13 December 2019. Collection method: clinical testing. Allele origin: germline.